The following is an entry in ClinVar:

ClinVar aggregate classification (germline): Uncertain significance. Review status: criteria provided, multiple submitters, no conflicts (2 of 4 stars). 2 submissions from 2 submitters: Uncertain significance (2). Last evaluated 2025-10-09.

Conditions:
Adams-Oliver syndrome 5 (AOS5). Identifiers: Orphanet 974, MedGen C4014970, MONDO:0014459, OMIM 616028.

Allele frequency attached by ClinVar (database versions not stated): gnomAD exomes below 0.00001.
gnomAD v4.1: 1 of 1,612,884 alleles (0.000062%); highest among the groups gnomAD compares: Non-Finnish European, 0.000085%; no homozygotes.

Submissions (2):

GeneDx
Classification: Uncertain significance. Last evaluated: 2025-10-09. Review status: criteria provided, single submitter. Criteria: GeneDx Variant Classification Process June 2021. Collection method: clinical testing. Allele origin: germline.
Comment: Not observed at significant frequency in large population cohorts (gnomAD); In silico analysis supports that this missense variant does not alter protein structure/function; Has not been previously published as pathogenic or benign in association with a NOTCH1-related disorder to our knowledge; This variant is associated with the following publications: (PMID: 33322834, 24277457)

Labcorp Genetics (formerly Invitae), Labcorp
Classification: Uncertain significance for Adams-Oliver syndrome 5. Last evaluated: 2022-08-20. Review status: criteria provided, single submitter. Criteria: Invitae Variant Classification Sherloc (09022015). Collection method: clinical testing. Allele origin: germline.
Comment: This variant is not present in population databases (gnomAD no frequency). This sequence change replaces asparagine, which is neutral and polar, with aspartic acid, which is acidic and polar, at codon 1713 of the NOTCH1 protein (p.Asn1713Asp). This variant has not been reported in the literature in individuals affected with NOTCH1-related conditions. Advanced modeling of protein sequence and biophysical properties (such as structural, functional, and spatial information, amino acid conservation, physicochemical variation, residue mobility, and thermodynamic stability) performed at Invitae indicates that this missense variant is not expected to disrupt NOTCH1 protein function. In summary, the available evidence is currently insufficient to determine the role of this variant in disease. Therefore, it has been classified as a Variant of Uncertain Significance.

NM_017617.5(NOTCH1):c.5137A>G (p.Asn1713Asp)

Gene: NOTCH1 (notch receptor 1; minus strand). Cytogenetic location: 9q34.3.
Variant type: single nucleotide variant.
Coding change: c.5137A>G on transcript NM_017617.5 (MANE Select); coding-DNA position 5137, A replaced by G.
Protein change: p.Asn1713Asp; replaces asparagine 1713 with aspartic acid.
Molecular consequence: missense variant.
Genome position (GRCh38, 1-based): chr9:136,503,212, T>C on the plus strand (A>G on the coding strand, the complement: NOTCH1 is on the minus strand). VCF-style: chr9-136503212-T-C. GRCh37 (hg19) VCF-style: chr9-139397664-T-C.
Other names: c.5137A>G (NM_017617.3); short protein forms N1713D.
Identifiers: ClinVar variation 2196871 (VCV002196871.6), dbSNP rs905363739, ClinGen allele CA201642708.